The following is an entry in ClinVar:

ClinVar aggregate classification (germline): Likely benign (1 of 4 stars; one submission).

Conditions:
Familial cancer of breast. Also called: Hereditary breast cancer; BREAST CANCER, FAMILIAL; hereditary breast carcinoma. Identifiers: Orphanet 227535, MedGen C0346153, MONDO:0016419, OMIM 114480. Disease mechanism: loss of function.

Submission:

Myriad Genetics, Inc.
Classification: Likely benign for Familial cancer of breast. Last evaluated: 2024-10-08. Review status: criteria provided, single submitter. Criteria: Myriad Autosomal Dominant, Autosomal Recessive and X-Linked Classification Criteria (2023). Collection method: clinical testing. Allele origin: unknown.
Comment: This variant is considered likely benign. This variant is intronic and is not expected to impact mRNA splicing.

NM_007194.4(CHEK2):c.1376-17C>T

Gene: CHEK2 (checkpoint kinase 2; minus strand). Cytogenetic location: 22q12.1.
Variant type: single nucleotide variant.
Coding change: c.1376-17C>T on transcript NM_007194.4 (MANE Select); 17 bases into the intron before coding-DNA position 1376, C replaced by T.
Molecular consequence: intron variant.
Genome position (GRCh38, 1-based): chr22:28,694,134, G>A on the plus strand (C>T on the coding strand, the complement: CHEK2 is on the minus strand). VCF-style: chr22-28694134-G-A. GRCh37 (hg19) VCF-style: chr22-29090122-G-A.
Other names: c.713-17C>T (NM_001437942.1, NM_001257387.3); c.1175-17C>T (NM_001349956.3); c.1289-17C>T (NM_145862.3); c.1382-17C>T (NM_001438295.1); c.1469-17C>T (NM_001438293.1); c.1418-17C>T (NM_001438294.1); c.1505-17C>T (NM_001005735.3).
Identifiers: ClinVar variation 3773218 (VCV003773218.1).